The following is an entry in ClinVar:

ClinVar aggregate classification (germline): Conflicting classifications of pathogenicity. Review status: criteria provided, conflicting classifications (1 of 4 stars). 3 submissions from 3 submitters: Uncertain significance (1); Likely benign (2). Last evaluated 2025-09-10.

Conditions:
Dystonia 12 (DYT12). Also called: Rapid-Onset Dystonia-Parkinsonism (RDP); DYT-ATP1A3. Identifiers: Orphanet 71517, MedGen C1868681, MONDO:0007496, OMIM 128235.
Inborn genetic diseases. Identifiers: MedGen C0950123, MeSH D030342.

Allele frequency attached by ClinVar (database versions not stated): gnomAD 0.00002; gnomAD exomes 0.00002; TOPMed 0.00005; ExAC 0.00007; 1000 Genomes Project 30x 0.00016; 1000 Genomes Project 0.00020.
gnomAD v4.1: 29 of 1,614,124 alleles (0.0018%); highest among the groups gnomAD compares: East Asian, 0.011%; no homozygotes.

Submissions (3):

Labcorp Genetics (formerly Invitae), Labcorp
Classification: Uncertain significance for Dystonia 12. Last evaluated: 2025-09-10. Review status: criteria provided, single submitter. Criteria: Invitae Variant Classification Sherloc (09022015). Collection method: clinical testing. Allele origin: germline.
Comment: This sequence change replaces glycine, which is neutral and non-polar, with serine, which is neutral and polar, at codon 871 of the ATP1A3 protein (p.Gly871Ser). This variant is present in population databases (rs554237072, gnomAD 0.03%). This variant has not been reported in the literature in individuals affected with ATP1A3-related conditions. ClinVar contains an entry for this variant (Variation ID: 2902241). Invitae Evidence Modeling of protein sequence and biophysical properties (such as structural, functional, and spatial information, amino acid conservation, physicochemical variation, residue mobility, and thermodynamic stability) indicates that this missense variant is not expected to disrupt ATP1A3 protein function with a negative predictive value of 95%. In summary, the available evidence is currently insufficient to determine the role of this variant in disease. Therefore, it has been classified as a Variant of Uncertain Significance.

Ambry Genetics
Classification: Likely benign for Inborn genetic diseases. Last evaluated: 2025-07-22. Review status: criteria provided, single submitter. Criteria: Ambry Variant Classification Scheme 2023. Collection method: clinical testing. Allele origin: germline.

Blueprint Genetics
Classification: Likely benign. Last evaluated: 2020-08-25. Review status: criteria provided, single submitter. Criteria: ACMG Guidelines, 2015. Collection method: clinical testing. Allele origin: germline.

NM_152296.5(ATP1A3):c.2611G>A (p.Gly871Ser)

Gene: ATP1A3 (ATPase Na+/K+ transporting subunit alpha 3; minus strand). Cytogenetic location: 19q13.2.
Variant type: single nucleotide variant.
Coding change: c.2611G>A on transcript NM_152296.5 (MANE Select); coding-DNA position 2611, G replaced by A.
Protein change: p.Gly871Ser; replaces glycine 871 with serine.
Molecular consequence: missense variant.
Genome position (GRCh38, 1-based): chr19:41,969,512, C>T on the plus strand (G>A on the coding strand, the complement: ATP1A3 is on the minus strand). VCF-style: chr19-41969512-C-T. GRCh37 (hg19) VCF-style: chr19-42473664-C-T.
Other names: c.2611G>A (NM_152296.3); c.2644G>A, p.Gly882Ser (NM_001256213.2); c.2650G>A, p.Gly884Ser (NM_001256214.2); short protein forms G871S, G882S, G884S.
Identifiers: ClinVar variation 2902241 (VCV002902241.5), dbSNP rs554237072, ClinGen allele CA9467337.